The following is an entry in ClinVar:

NM_053025.4(MYLK):c.299A>G (p.Asp100Gly)

Gene: MYLK (myosin light chain kinase; minus strand). Cytogenetic location: 3q21.1.
Variant type: single nucleotide variant.
Coding change: c.299A>G on transcript NM_053025.4 (MANE Select); coding-DNA position 299, A replaced by G.
Protein change: p.Asp100Gly; replaces aspartic acid 100 with glycine.
Molecular consequence: missense variant. On other transcripts: intron variant (1).
Genome position (GRCh38, 1-based): chr3:123,752,405, T>C on the plus strand (A>G on the coding strand, the complement: MYLK is on the minus strand). VCF-style: chr3-123752405-T-C. GRCh37 (hg19) VCF-style: chr3-123471252-T-C.
Other names: c.299A>G, p.Asp100Gly (NM_053026.4, NM_053027.4, NM_053028.4); c.-155-12404A>G (NM_001321309.2); short protein forms D100G.
Identifiers: ClinVar variation 3707778 (VCV003707778.2).

ClinVar aggregate classification (germline): Uncertain significance (1 of 4 stars; one submission).

Conditions:
Aortic aneurysm, familial thoracic 7 (AAT7). Also called: AORTIC DISSECTION, FAMILIAL, WITH OR WITHOUT AORTIC ANEURYSM. Identifiers: MedGen C3151077, MONDO:0013418, OMIM 613780.

Submission:

Labcorp Genetics (formerly Invitae), Labcorp
Classification: Uncertain significance for Aortic aneurysm, familial thoracic 7. Last evaluated: 2024-10-15. Review status: criteria provided, single submitter. Criteria: Invitae Variant Classification Sherloc (09022015). Collection method: clinical testing. Allele origin: germline.
Comment: This sequence change replaces aspartic acid, which is acidic and polar, with glycine, which is neutral and non-polar, at codon 100 of the MYLK protein (p.Asp100Gly). This variant is not present in population databases (gnomAD no frequency). This variant has not been reported in the literature in individuals affected with MYLK-related conditions. Invitae Evidence Modeling of protein sequence and biophysical properties (such as structural, functional, and spatial information, amino acid conservation, physicochemical variation, residue mobility, and thermodynamic stability) indicates that this missense variant is not expected to disrupt MYLK protein function with a negative predictive value of 95%. In summary, the available evidence is currently insufficient to determine the role of this variant in disease. Therefore, it has been classified as a Variant of Uncertain Significance.